The following is an entry in ClinVar:

ClinVar aggregate classification (germline): Uncertain significance (1 of 4 stars; one submission).

Allele frequency attached by ClinVar (database versions not stated): TOPMed below 0.00001; gnomAD exomes 0.00001.
gnomAD v4.1: 7 of 1,524,966 alleles (0.00046%); highest among the groups gnomAD compares: Non-Finnish European, 0.00062%; no homozygotes.

Submission:

GeneDx
Classification: Uncertain significance. Last evaluated: 2019-08-05. Review status: criteria provided, single submitter. Criteria: GeneDx Variant Classification Process June 2021. Collection method: clinical testing. Allele origin: germline. Affected: yes.
Comment: Not observed in large population cohorts (Lek et al., 2016); In silico analysis, which includes protein predictors and evolutionary conservation, supports that this variant does not alter protein structure/function; Has not been previously published as pathogenic or benign to our knowledge

NM_001099287.2(NIPAL4):c.-80A>G

Genes: NIPAL4 (NIPA like domain containing 4; plus strand), LOC129995124 (ATAC-STARR-seq lymphoblastoid silent region 16559; plus strand). Cytogenetic location: 5q33.3.
Variant type: single nucleotide variant.
Coding change: c.-80A>G on transcript NM_001099287.2 (MANE Select); 80 bases upstream of the start codon, A replaced by G.
Molecular consequence: 5 prime UTR variant.
Genome position (GRCh38, 1-based): chr5:157,460,241, A>G. VCF-style: chr5-157460241-A-G. GRCh37 (hg19) VCF-style: chr5-156887249-A-G.
Other names: c.-80A>G (NM_001172292.2); short protein forms D36G.
Identifiers: ClinVar variation 1307671 (VCV001307671.2), dbSNP rs1754051967, ClinGen allele CA361979055.
Genomic context (GRCh38, chr5:157,460,241, plus strand): 5'-CACTCTCCCCACCCCTGGGTCCGGACCCCGGCGGCTTCTCGCGCGCGAGCCACGCGGGGG[A>G]CAAGTCGCGGCCACCTGCTCCGGAGCTGGGGAGCCCGGGCGCCGTCCGCCCGCGCGTCGG-3'